The following is an entry in ClinVar:

NM_005235.3(ERBB4):c.82+3G>A

Gene: ERBB4 (erb-b2 receptor tyrosine kinase 4; minus strand). Cytogenetic location: 2q34.
Variant type: single nucleotide variant.
Coding change: c.82+3G>A on transcript NM_005235.3 (MANE Select); 3 bases into the intron after coding-DNA position 82, G replaced by A.
Molecular consequence: intron variant.
Genome position (GRCh38, 1-based): chr2:212,538,446, C>T on the plus strand (G>A on the coding strand, the complement: ERBB4 is on the minus strand). VCF-style: chr2-212538446-C-T. GRCh37 (hg19) VCF-style: chr2-213403170-C-T.
Other names: c.82+3G>A (NM_001042599.2, NM_001439006.1, NM_001439005.1).
Identifiers: ClinVar variation 2969440 (VCV002969440.3), dbSNP rs780602131, ClinGen allele CA2088610.

ClinVar aggregate classification (germline): Uncertain significance (1 of 4 stars; one submission).

Allele frequency attached by ClinVar (database versions not stated): ExAC 0.00001; gnomAD 0.00001; gnomAD exomes 0.00001; TOPMed 0.00001.
gnomAD v4.1: 17 of 1,613,726 alleles (0.0011%); highest among the groups gnomAD compares: Non-Finnish European, 0.0014%; no homozygotes.

Submission:

Labcorp Genetics (formerly Invitae), Labcorp
Classification: Uncertain significance. Last evaluated: 2022-12-19. Review status: criteria provided, single submitter. Criteria: Invitae Variant Classification Sherloc (09022015). Collection method: clinical testing. Allele origin: germline.
Comment: In summary, the available evidence is currently insufficient to determine the role of this variant in disease. Therefore, it has been classified as a Variant of Uncertain Significance. Variants that disrupt the consensus splice site are a relatively common cause of aberrant splicing (PMID: 17576681, 9536098). Algorithms developed to predict the effect of sequence changes on RNA splicing suggest that this variant is not likely to affect RNA splicing. This variant has not been reported in the literature in individuals affected with ERBB4-related conditions. This variant is present in population databases (rs780602131, gnomAD 0.003%). This sequence change falls in intron 1 of the ERBB4 gene. It does not directly change the encoded amino acid sequence of the ERBB4 protein. It affects a nucleotide within the consensus splice site.

Literature cited by the submitters: PubMed 17576681; PubMed 9536098.